The following is an entry in ClinVar:

ClinVar aggregate classification (germline): Uncertain significance (1 of 4 stars; one submission).

gnomAD v4.1: 4 of 1,545,848 alleles (0.00026%); highest among the groups gnomAD compares: South Asian, 0.0012%; no homozygotes.

Submission:

Ambry Genetics
Classification: Uncertain significance. Last evaluated: 2025-05-05. Review status: criteria provided, single submitter. Criteria: Ambry Variant Classification Scheme 2023. Collection method: clinical testing. Allele origin: germline.
Comment: The p.Q49R variant (also known as c.146A>G), located in coding exon 1 of the EGLN1 gene, results from an A to G substitution at nucleotide position 146. The glutamine at codon 49 is replaced by arginine, an amino acid with highly similar properties. This amino acid position is conserved. In addition, this alteration is predicted to be tolerated by in silico analysis. Based on the available evidence, the clinical significance of this variant remains unclear.

NM_022051.3(EGLN1):c.146A>G (p.Gln49Arg)

Gene: EGLN1 (egl-9 family hypoxia inducible factor 1; minus strand). Cytogenetic location: 1q42.2.
Variant type: single nucleotide variant.
Coding change: c.146A>G on transcript NM_022051.3 (MANE Select); coding-DNA position 146, A replaced by G.
Protein change: p.Gln49Arg; replaces glutamine 49 with arginine.
Molecular consequence: missense variant.
Genome position (GRCh38, 1-based): chr1:231,421,743, T>C on the plus strand (A>G on the coding strand, the complement: EGLN1 is on the minus strand). VCF-style: chr1-231421743-T-C. GRCh37 (hg19) VCF-style: chr1-231557489-T-C.
Other names: c.146A>G, p.Gln49Arg (NM_001377260.1, NM_001377261.1); short protein forms Q49R.
Identifiers: ClinVar variation 4016825 (VCV004016825.1).
Genomic context (GRCh38, chr1:231,421,743, plus strand): 5'-ACTCCGTGGCCGAGGGCGCCCTCGCTGCCCTGGCACACGAGCTTGTGCTTCTTCCAGTCC[T>C]GACGCTGGTGCTCCTTGCAGCAGTAGAAGGAGCTGCGGCAGCGGCTGCAGCGCAGCAGGT-3'
Protein context (NP_071334.1, residues 39-59): SFYCCKEHQR[Gln49Arg]DWKKHKLVCQ